The following is an entry in ClinVar:

ClinVar aggregate classification (germline): Benign/Likely benign. Review status: criteria provided, multiple submitters, no conflicts (2 of 4 stars). 16 submissions from 16 submitters: Benign (9); Likely benign (5). 2 of the submissions do not count toward it. Last evaluated 2026-06-01.

Conditions:
Focal segmental glomerulosclerosis (FSGS). Also called: Glomerulosclerosis, focal; Focal sclerosis with hyalinosis. Identifiers: MedGen C0017668, MONDO:0100313, HP:0000097. Disease mechanism: loss of function.
Alport syndrome. Also called: Hemorrhagic familial nephritis; Hemorrhagic hereditary nephritis; Congenital hereditary hematuria. Identifiers: Orphanet 63, MedGen C1567741, MONDO:0018965.
Chronic kidney disease. Identifiers: MedGen C1561643, MONDO:0005300, HP:0012622.

Allele frequency attached by ClinVar (database versions not stated): 1000 Genomes Project 0.00260; 1000 Genomes Project 30x 0.00281; gnomAD exomes 0.00485; ExAC 0.00501; TOPMed 0.00559; ESP Exome Variant Server 0.00860.
gnomAD v4.1: 13,022 of 1,613,656 alleles (0.81%); highest among the groups gnomAD compares: Non-Finnish European, 1%; 80 homozygotes.

Submissions (16):

CeGaT Center for Human Genetics Tuebingen
Classification: Benign. Last evaluated: 2026-06-01. Review status: criteria provided, single submitter. Criteria: CeGaT Center For Human Genetics Tuebingen Variant Classification Criteria Version 2. Collection method: clinical testing. Allele origin: germline. Affected: yes. Observed: 12 variant alleles.
Comment: COL4A3: BS1, BS2

Labcorp Genetics (formerly Invitae), Labcorp
Classification: Benign. Last evaluated: 2026-02-04. Review status: criteria provided, single submitter. Criteria: Invitae Variant Classification Sherloc (09022015). Collection method: clinical testing. Allele origin: germline.

ARUP Laboratories, Molecular Genetics and Genomics, ARUP Laboratories
Classification: Likely benign. Last evaluated: 2024-11-27. Review status: criteria provided, single submitter. Criteria: ARUP Molecular Germline Variant Investigation Process 2024. Collection method: clinical testing. Allele origin: germline.

Blueprint Genetics
Classification: Likely benign. Last evaluated: 2024-11-13. Review status: criteria provided, single submitter. Criteria: ACMG Guidelines, 2015. Collection method: clinical testing. Allele origin: germline.

Mayo Clinic Laboratories, Mayo Clinic
Classification: Benign. Last evaluated: 2024-11-04. Review status: criteria provided, single submitter. Criteria: ACMG Guidelines, 2015. Collection method: clinical testing. Allele origin: germline. Observed: 4 variant alleles.
Comment: BS1, BS2

Genome Diagnostics Laboratory, The Hospital for Sick Children
Classification: Benign for Focal segmental glomerulosclerosis. Last evaluated: 2022-08-24. Review status: criteria provided, single submitter. Criteria: ACMG Guidelines, 2015. Collection method: clinical testing. Allele origin: germline.

Laboratory for Molecular Medicine, Mass General Brigham Personalized Medicine
Classification: Benign. Last evaluated: 2021-02-17. Review status: criteria provided, single submitter. Criteria: LMM Criteria. Collection method: clinical testing. Allele origin: germline. Observed: 1 variant allele.
Comment: The p.Pro116Thr variant in COL4A3 is classified as benign because it has been identified in 0.9% (1119/128642) of European chromosomes by gnomAD. This variant has also been reported as benign and likely benign in ClinVar (Variation ID 254994). ACMG/AMP criteria applied: BA1, BP4.

Cavalleri Lab, Royal College of Surgeons in Ireland
Classification: Likely benign for Chronic kidney disease. Last evaluated: 2020-05-28. Review status: criteria provided, single submitter. Criteria: ACMG Guidelines, 2015. Collection method: research. Allele origin: unknown. Inheritance: Autosomal dominant inheritance. Affected: yes.
Comment: PP3, BP6, BS1

Athena Diagnostics
Classification: Benign. Last evaluated: 2019-07-17. Review status: criteria provided, single submitter. Criteria: Athena Diagnostics Criteria. Collection method: clinical testing. Allele origin: germline.

GeneDx
Classification: Benign. Last evaluated: 2018-05-25. Review status: criteria provided, single submitter. Criteria: GeneDx Variant Classification Process June 2021. Collection method: clinical testing. Allele origin: germline. Affected: yes.
Comment: This variant is associated with the following publications: (PMID: 24854265, 14871398, 30245029, 29924831)

Women's Health and Genetics/Laboratory Corporation of America, LabCorp
Classification: Likely benign. Last evaluated: 2018-01-08. Review status: criteria provided, single submitter. Criteria: LabCorp Variant Classification Summary - May 2015. Collection method: clinical testing. Allele origin: germline.
Comment: Variant summary: The COL4A3 c.346C>A (p.Pro116Thr) variant involves the alteration of a conserved nucleotide located in the Collagen triple helix repeat domain of the protein (InterPro). 4/4 in silico tools predict a damaging outcome for this variant (SNPsandGO not captured due to low reliability index). This variant was found in 1348/277088 control chromosomes (7 homozygotes), predominantly observed in the European (Non-Finnish) subpopulation at a frequency of 0.008757 (1109/126648). This frequency is about 4 times the estimated maximal expected allele frequency of a pathogenic COL4A3 variant (0.0020412), suggesting this is likely a benign polymorphism found primarily in the populations of European (Non-Finnish) origin. This variant has been reported in multiple affected individuals without stong evidence for causality. In addition, one other clinical diagnostic laboratory classified this variant as benign. Taken together, this variant is classified as likely benign.

Illumina Laboratory Services, Illumina
Classification: Benign for Alport syndrome. Last evaluated: 2017-04-27. Review status: criteria provided, single submitter. Criteria: ICSL Variant Classification Criteria 13 December 2019. Collection method: clinical testing. Allele origin: germline.
Comment: This variant was observed as part of a predisposition screen in an ostensibly healthy population. A literature search was performed for the gene, cDNA change, and amino acid change (where applicable). Publications were found based on this search. The evidence from the literature, in combination with allele frequency data from public databases where available, was sufficient to rule this variant out of causing disease. Therefore, this variant is classified as benign.

Breakthrough Genomics
Classification: Likely benign. Review status: criteria provided, single submitter. Criteria: ACMG Guidelines, 2015. Collection method: not provided. Allele origin: germline. Inheritance: Autosomal recessive inheritance. Affected: yes.

PreventionGenetics, part of Exact Sciences
Classification: Benign. Review status: criteria provided, single submitter. Criteria: ACMG Guidelines, 2015. Collection method: clinical testing. Allele origin: germline.

Genetic Services Laboratory, University of Chicago
Classification: Benign. Last evaluated: 2022-09-13. Review status: no assertion criteria provided. Collection method: clinical testing. Allele origin: germline. Affected: no. Not counted in ClinVar's aggregate classification.

Natera, Inc.
Classification: Benign for Alport syndrome. Last evaluated: 2019-11-14. Review status: no assertion criteria provided. Collection method: clinical testing. Allele origin: germline. Not counted in ClinVar's aggregate classification.

Literature cited by the submitters: PubMed 14871398 (cited by 5 submitters); PubMed 24854265 (cited by 4 submitters); PubMed 29924831 (cited by Mayo Clinic Laboratories, Mayo Clinic and Laboratory for Molecular Medicine, Mass General Brigham Personalized Medicine); PubMed 30245029 (cited by Mayo Clinic Laboratories, Mayo Clinic and Laboratory for Molecular Medicine, Mass General Brigham Personalized Medicine); PubMed 17216251 (cited by Laboratory for Molecular Medicine, Mass General Brigham Personalized Medicine and Athena Diagnostics); PubMed 26346198 (cited by 3 submitters).

NM_000091.5(COL4A3):c.346C>A (p.Pro116Thr)

Genes: COL4A3 (collagen type IV alpha 3 chain; plus strand), MFF-DT (MFF divergent transcript; minus strand). Cytogenetic location: 2q36.3.
Variant type: single nucleotide variant.
Coding change: c.346C>A on transcript NM_000091.5 (MANE Select); coding-DNA position 346, C replaced by A.
Protein change: p.Pro116Thr; replaces proline 116 with threonine.
Molecular consequence: missense variant.
Genome position (GRCh38, 1-based): chr2:227,245,975, C>A. VCF-style: chr2-227245975-C-A. GRCh37 (hg19) VCF-style: chr2-228110691-C-A.
Other names: p.Pro116Thr; short protein forms P116T.
Identifiers: ClinVar variation 254994 (VCV000254994.56), dbSNP rs115324397, ClinGen allele CA2146059.